The following is an entry in ClinVar:

NM_001144967.3(NEDD4L):c.429G>T (p.Lys143Asn)

Gene: NEDD4L (NEDD4 like E3 ubiquitin protein ligase; plus strand). Cytogenetic location: 18q21.31.
Variant type: single nucleotide variant.
Coding change: c.429G>T on transcript NM_001144967.3 (MANE Select); coding-DNA position 429, G replaced by T.
Protein change: p.Lys143Asn; replaces lysine 143 with asparagine.
Molecular consequence: missense variant.
Genome position (GRCh38, 1-based): chr18:58,323,250, G>T. VCF-style: chr18-58323250-G-T. GRCh37 (hg19) VCF-style: chr18-55990482-G-T.
Other names: c.66G>T, p.Lys22Asn (NM_001144964.1, NM_001144965.2, NM_001144966.3 and 2 more transcripts); c.405G>T, p.Lys135Asn (NM_001144968.2, NM_001144969.2); c.429G>T, p.Lys143Asn (NM_001243960.2, NM_015277.6); short protein forms K135N, K143N, K22N.
Identifiers: ClinVar variation 1063139 (VCV001063139.9), dbSNP rs754988137, ClinGen allele CA402551860.
Genomic context (GRCh38, chr18:58,323,250, plus strand): 5'-GTCACAACCCTTCTAACCAATTTTCTTCCATTATGTGTGCAGTCATAAGTCTCGAGTTAA[G>T]GGATTTTTGCGATTGAAAATGGCCTATATGCCAAAAAATGGAGGTCAAGATGAAGAAAAC-3'
Protein context (NP_001138439.1, residues 133-153): LRPRSHKSRV[Lys143Asn]GFLRLKMAYM

ClinVar aggregate classification (germline): Uncertain significance (1 of 4 stars; one submission).

Submission:

Labcorp Genetics (formerly Invitae), Labcorp
Classification: Uncertain significance. Last evaluated: 2022-06-14. Review status: criteria provided, single submitter. Criteria: Invitae Variant Classification Sherloc (09022015). Collection method: clinical testing. Allele origin: germline.
Comment: This variant is not present in population databases (gnomAD no frequency). In summary, the available evidence is currently insufficient to determine the role of this variant in disease. Therefore, it has been classified as a Variant of Uncertain Significance. Algorithms developed to predict the effect of missense changes on protein structure and function are either unavailable or do not agree on the potential impact of this missense change (SIFT: "Deleterious"; PolyPhen-2: "Possibly Damaging"; Align-GVGD: "Class C0"). ClinVar contains an entry for this variant (Variation ID: 1063139). This variant has not been reported in the literature in individuals affected with NEDD4L-related conditions. This sequence change replaces lysine, which is basic and polar, with asparagine, which is neutral and polar, at codon 143 of the NEDD4L protein (p.Lys143Asn).